The following is an entry in ClinVar:

NM_014845.6(FIG4):c.289+2T>C

Gene: FIG4 (FIG4 phosphoinositide 5-phosphatase; plus strand). Cytogenetic location: 6q21.
Variant type: single nucleotide variant.
Coding change: c.289+2T>C on transcript NM_014845.6 (MANE Select); the canonical splice donor site of the intron after coding-DNA position 289, T replaced by C.
Molecular consequence: splice donor variant.
Genome position (GRCh38, 1-based): chr6:109,716,570, T>C. VCF-style: chr6-109716570-T-C. GRCh37 (hg19) VCF-style: chr6-110037773-T-C.
Identifiers: ClinVar variation 1797297 (VCV001797297.2), dbSNP rs892360041, ClinGen allele CA145154663.

ClinVar aggregate classification (germline): Likely pathogenic (1 of 4 stars; one submission).

Conditions:
Inborn genetic diseases. Identifiers: MedGen C0950123, MeSH D030342.

Allele frequency attached by ClinVar (database versions not stated): TOPMed 0.00001.

Submission:

Ambry Genetics
Classification: Likely pathogenic for Inborn genetic diseases. Last evaluated: 2021-08-30. Review status: criteria provided, single submitter. Criteria: Ambry Variant Classification Scheme 2023. Collection method: clinical testing. Allele origin: germline.
Comment: The c.289+2T>C intronic variant results from a T to C substitution two nucleotides after coding exon 3 in the FIG4 gene. This variant is considered to be rare based on population cohorts in the Genome Aggregation Database (gnomAD). This nucleotide position is highly conserved in available vertebrate species. In silico splice site analysis predicts that this alteration will weaken the native splice donor site. Alterations that disrupt the canonical splice site are expected to cause aberrant splicing, resulting in an abnormal protein or a transcript that is subject to nonsense-mediated mRNA decay. As such, this alteration is classified as likely pathogenic.